The following is an entry in ClinVar:

NM_000051.4(ATM):c.3994-162G>A

Gene: ATM (ATM serine/threonine kinase; plus strand). Cytogenetic location: 11q22.3.
Variant type: single nucleotide variant.
Coding change: c.3994-162G>A on transcript NM_000051.4 (MANE Select); 162 bases into the intron before coding-DNA position 3994, G replaced by A.
Molecular consequence: intron variant.
Genome position (GRCh38, 1-based): chr11:108,287,438, G>A. VCF-style: chr11-108287438-G-A. GRCh37 (hg19) VCF-style: chr11-108158165-G-A.
Other names: c.3994-162G>A (NM_001351834.2).
Identifiers: ClinVar variation 1736787 (VCV001736787.4), dbSNP rs1415556577, ClinGen allele CA671367670.
Genomic context (GRCh38, chr11:108,287,438, plus strand): 5'-GTTTGGCTGATTTTCATACTTTTTCCTCTTAGTCTACAGGTTGGCTGCATAGAAGAAAAA[G>A]GTAGAGTTATTTATAATCTTGTAAATCTTGGACTTTGAGTCATCTATTTTCTTTTACAGT-3'

ClinVar aggregate classification (germline): Uncertain significance (1 of 4 stars; one submission).

Conditions:
Hereditary cancer-predisposing syndrome. Also called: Neoplastic Syndromes, Hereditary; Tumor predisposition; Hereditary Cancer Syndrome; Hereditary neoplastic syndrome. Identifiers: Orphanet 140162, MedGen C0027672, MeSH D009386, MONDO:0015356.

Allele frequency attached by ClinVar (database versions not stated): gnomAD exomes below 0.00001; TOPMed below 0.00001.
gnomAD v4.1: 1 of 518,244 alleles (0.00019%); highest among the groups gnomAD compares: Non-Finnish European, 0.00033%; no homozygotes.

Submission:

Ambry Genetics
Classification: Uncertain significance for Hereditary cancer-predisposing syndrome. Last evaluated: 2025-12-08. Review status: criteria provided, single submitter. Criteria: Ambry Variant Classification Scheme 2023. Collection method: clinical testing. Allele origin: germline.
Comment: The c.3994-162G>A intronic variant results from a G to A substitution 162 nucleotides upstream from coding exon 26 in the ATM gene. This nucleotide position is not well conserved in available vertebrate species. In silico splice site analysis for this alteration is inconclusive and direct evidence is insufficient at this time (Ambry internal data). Based on the available evidence, the clinical significance of this variant remains unclear.